The following is an entry in ClinVar:

ClinVar aggregate classification (germline): Uncertain significance (1 of 4 stars; one submission).

Allele frequency attached by ClinVar (database versions not stated): gnomAD exomes 0.00002 and 0.00009; TOPMed 0.00004.

Submission:

Labcorp Genetics (formerly Invitae), Labcorp
Classification: Uncertain significance. Last evaluated: 2022-09-27. Review status: criteria provided, single submitter. Criteria: Invitae Variant Classification Sherloc (09022015). Collection method: clinical testing. Allele origin: germline.
Comment: This sequence change replaces glutamic acid, which is acidic and polar, with lysine, which is basic and polar, at codon 2475 of the SPEG protein (p.Glu2475Lys). This variant is present in population databases (no rsID available, gnomAD 0.04%). This variant has not been reported in the literature in individuals affected with SPEG-related conditions. ClinVar contains an entry for this variant (Variation ID: 1485067). Algorithms developed to predict the effect of missense changes on protein structure and function are either unavailable or do not agree on the potential impact of this missense change (SIFT: "Deleterious"; PolyPhen-2: "Probably Damaging"; Align-GVGD: "Class C0"). In summary, the available evidence is currently insufficient to determine the role of this variant in disease. Therefore, it has been classified as a Variant of Uncertain Significance.

NM_005876.5(SPEG):c.7423G>A (p.Glu2475Lys)

Genes: ASIC4-AS1 (ASIC4 antisense RNA 1; minus strand), SPEG (striated muscle enriched protein kinase; plus strand). Cytogenetic location: 2q35.
Variant type: single nucleotide variant.
Coding change: c.7423G>A on transcript NM_005876.5 (MANE Select); coding-DNA position 7423, G replaced by A.
Protein change: p.Glu2475Lys; replaces glutamic acid 2475 with lysine.
Molecular consequence: missense variant.
Genome position (GRCh38, 1-based): chr2:219,484,886, G>A. VCF-style: chr2-219484886-G-A. GRCh37 (hg19) VCF-style: chr2-220349608-G-A.
Other names: short protein forms E2475K.
Identifiers: ClinVar variation 1485067 (VCV001485067.3), dbSNP rs570998547, ClinGen allele CA350702420.